The following is an entry in ClinVar:

ClinVar aggregate classification (germline): Uncertain significance (1 of 4 stars; one submission).

Submission:

Labcorp Genetics (formerly Invitae), Labcorp
Classification: Uncertain significance. Last evaluated: 2021-11-19. Review status: criteria provided, single submitter. Criteria: Invitae Variant Classification Sherloc (09022015). Collection method: clinical testing. Allele origin: germline.
Comment: This variant has not been reported in the literature in individuals affected with LAMA1-related conditions. In summary, the available evidence is currently insufficient to determine the role of this variant in disease. Therefore, it has been classified as a Variant of Uncertain Significance. Experimental studies and prediction algorithms are not available or were not evaluated, and the functional significance of this variant is currently unknown. This variant results in a copy number gain of the genomic region encompassing exon(s) 2-63 of the LAMA1 gene. This region includes the termination codon of the gene. This copy number gain extends beyond the assayed region for this gene and therefore may encompass additional genes. As the precise location of this event is unknown, it may be in tandem or it may be located elsewhere in the genome.

NC_000018.9:g.(?_6942078)_(7080476_?)dup

Gene: LAMA1 (laminin subunit alpha 1; minus strand). Cytogenetic location: 18p11.31.
Variant type: Duplication.
Identifiers: ClinVar variation 2425370 (VCV002425370.4).